The following is an entry in ClinVar:

NM_005450.6(NOG):c.203C>T (p.Ser68Leu)

Gene: NOG (noggin; plus strand). Cytogenetic location: 17q22.
Variant type: single nucleotide variant.
Coding change: c.203C>T on transcript NM_005450.6 (MANE Select); coding-DNA position 203, C replaced by T.
Protein change: p.Ser68Leu; replaces serine 68 with leucine.
Molecular consequence: missense variant.
Genome position (GRCh38, 1-based): chr17:56,594,426, C>T. VCF-style: chr17-56594426-C-T. GRCh37 (hg19) VCF-style: chr17-54671787-C-T.
Other names: short protein forms S68L.
Identifiers: ClinVar variation 2035822 (VCV002035822.4), dbSNP rs2052467760, ClinGen allele CA399964791.
Genomic context (GRCh38, chr17:56,594,426, plus strand): 5'-AACACCCAGACCCTATCTTTGACCCCAAGGAAAAGGATCTGAACGAGACGCTGCTGCGCT[C>T]GCTGCTCGGGGGCCACTACGACCCAGGCTTCATGGCCACCTCGCCCCCCGAGGACCGGCC-3'
Protein context (NP_005441.1, residues 58-78): EKDLNETLLR[Ser68Leu]LLGGHYDPGF

ClinVar aggregate classification (germline): Uncertain significance (1 of 4 stars; one submission).

Allele frequency attached by ClinVar (database versions not stated): gnomAD exomes below 0.00001.

Submission:

Labcorp Genetics (formerly Invitae), Labcorp
Classification: Uncertain significance. Last evaluated: 2022-10-16. Review status: criteria provided, single submitter. Criteria: Invitae Variant Classification Sherloc (09022015). Collection method: clinical testing. Allele origin: germline.
Comment: In summary, the available evidence is currently insufficient to determine the role of this variant in disease. Therefore, it has been classified as a Variant of Uncertain Significance. Algorithms developed to predict the effect of missense changes on protein structure and function are either unavailable or do not agree on the potential impact of this missense change (SIFT: "Deleterious"; PolyPhen-2: "Benign"; Align-GVGD: "Class C25"). This variant has not been reported in the literature in individuals affected with NOG-related conditions. This variant is not present in population databases (gnomAD no frequency). This sequence change replaces serine, which is neutral and polar, with leucine, which is neutral and non-polar, at codon 68 of the NOG protein (p.Ser68Leu).